The following is an entry in ClinVar:

NM_001367561.1(DOCK7):c.5824A>C (p.Met1942Leu)

Gene: DOCK7 (dedicator of cytokinesis 7; minus strand). Cytogenetic location: 1p31.3.
Variant type: single nucleotide variant.
Coding change: c.5824A>C on transcript NM_001367561.1 (MANE Select); coding-DNA position 5824, A replaced by C.
Protein change: p.Met1942Leu; replaces methionine 1942 with leucine.
Molecular consequence: missense variant.
Genome position (GRCh38, 1-based): chr1:62,475,844, T>G on the plus strand (A>C on the coding strand, the complement: DOCK7 is on the minus strand). VCF-style: chr1-62475844-T-G. GRCh37 (hg19) VCF-style: chr1-62941515-T-G.
Other names: c.5791A>C, p.Met1931Leu (NM_001271999.2); c.5704A>C, p.Met1902Leu (NM_001272000.2); c.5698A>C, p.Met1900Leu (NM_001272001.2); c.5797A>C, p.Met1933Leu (NM_001330614.2); c.5731A>C, p.Met1911Leu (NM_033407.4); short protein forms M1900L, M1902L, M1911L, M1931L, M1933L, M1942L.
Identifiers: ClinVar variation 1462462 (VCV001462462.6), dbSNP rs1645954615, ClinGen allele CA340603473.

ClinVar aggregate classification (germline): Uncertain significance (1 of 4 stars; one submission).

Conditions:
Developmental and epileptic encephalopathy, 23 (DEE23). Also called: Epileptic encephalopathy, early infantile, 23. Identifiers: Orphanet 411986, MedGen C4014492, MONDO:0014371, OMIM 615859.

Submission:

Labcorp Genetics (formerly Invitae), Labcorp
Classification: Uncertain significance for Developmental and epileptic encephalopathy, 23. Last evaluated: 2021-11-26. Review status: criteria provided, single submitter. Criteria: Invitae Variant Classification Sherloc (09022015). Collection method: clinical testing. Allele origin: germline.
Comment: This sequence change replaces methionine, which is neutral and non-polar, with leucine, which is neutral and non-polar, at codon 1931 of the DOCK7 protein (p.Met1931Leu). This variant is not present in population databases (gnomAD no frequency). This variant has not been reported in the literature in individuals affected with DOCK7-related conditions. Algorithms developed to predict the effect of missense changes on protein structure and function (SIFT, PolyPhen-2, Align-GVGD) all suggest that this variant is likely to be tolerated. In summary, the available evidence is currently insufficient to determine the role of this variant in disease. Therefore, it has been classified as a Variant of Uncertain Significance.